The following is an entry in ClinVar:

NM_001035.3(RYR2):c.284T>A (p.Val95Glu)

Gene: RYR2 (ryanodine receptor 2; plus strand). Cytogenetic location: 1q43.
Variant type: single nucleotide variant.
Coding change: c.284T>A on transcript NM_001035.3 (MANE Select); coding-DNA position 284, T replaced by A.
Protein change: p.Val95Glu; replaces valine 95 with glutamic acid.
Molecular consequence: missense variant.
Genome position (GRCh38, 1-based): chr1:237,355,975, T>A. VCF-style: chr1-237355975-T-A. GRCh37 (hg19) VCF-style: chr1-237519275-T-A.
Other names: p.Val95Glu; c.284T>A, p.Val95Glu (LRG_402t1); short protein forms V95E.
Identifiers: ClinVar variation 629284 (VCV000629284.13), dbSNP rs900519025, ClinGen allele CA40009792.

ClinVar aggregate classification (germline): Uncertain significance. Review status: criteria provided, multiple submitters, no conflicts (2 of 4 stars). 6 submissions from 6 submitters: Uncertain significance (6). Last evaluated 2025-11-03.

Conditions:
Cardiomyopathy (CMYO). Also called: Cardiomyopathies. Identifiers: Orphanet 167848, MedGen C0878544, MONDO:0004994, HP:0001638. Inheritance: Various modes of inheritance.
Cardiovascular phenotype. Identifiers: MedGen CN230736.
Catecholaminergic polymorphic ventricular tachycardia (CVPT). Also called: Catecholamine-induced polymorphic ventricular tachycardia. Identifiers: Orphanet 3286, MedGen C5574922, MONDO:0017990.
Catecholaminergic polymorphic ventricular tachycardia 1. Also called: RYR2-Related Catecholaminergic Polymorphic Ventricular Tachycardia; VENTRICULAR TACHYCARDIA, CATECHOLAMINERGIC POLYMORPHIC, 1, WITH OR WITHOUT ATRIAL DYSFUNCTION AND/OR DILATED CARDIOMYOPATHY; VENTRICULAR TACHYCARDIA, STRESS-INDUCED POLYMORPHIC 1. Identifiers: Orphanet 3286, MedGen C1631597, MONDO:0011484, OMIM 604772.

Allele frequency attached by ClinVar (database versions not stated): gnomAD exomes below 0.00001; TOPMed below 0.00001; gnomAD 0.00001.
gnomAD v4.1: 8 of 1,606,520 alleles (0.0005%); highest among the groups gnomAD compares: African/African-American, 0.0013%; no homozygotes.

Submissions (6):

Women's Health and Genetics/Laboratory Corporation of America, LabCorp
Classification: Uncertain significance. Last evaluated: 2025-11-03. Review status: criteria provided, single submitter. Criteria: LabCorp Variant Classification Summary - May 2015. Collection method: clinical testing. Allele origin: germline.
Comment: Variant summary: RYR2 c.284T>A (p.Val95Glu) results in a non-conservative amino acid change in the encoded protein sequence. Algorithms developed to predict the effect of missense changes on protein structure and function are either unavailable or do not agree on the potential impact of this missense change. The variant was absent in 239372 control chromosomes. The available data on variant occurrences in the general population are insufficient to allow any conclusion about variant significance. To our knowledge, no occurrence of c.284T>A in individuals affected with RYR2-related conditions and no experimental evidence demonstrating its impact on protein function have been reported. At-least one co-occurrence with another pathogenic variant has been observed at our laboratory (KCNQ1 c.1075C>T, p.Gln359*, Long QT syndrome), providing supporting evidence for a benign role. ClinVar contains an entry for this variant (Variation ID: 629284). Based on the evidence outlined above, the variant was classified as uncertain significance.

Mayo Clinic Laboratories, Mayo Clinic
Classification: Uncertain significance. Last evaluated: 2025-07-19. Review status: criteria provided, single submitter. Criteria: ACMG Guidelines, 2015. Collection method: clinical testing. Allele origin: germline. Observed: 1 variant allele.
Comment: PM2_supporting

Labcorp Genetics (formerly Invitae), Labcorp
Classification: Uncertain significance for Catecholaminergic polymorphic ventricular tachycardia 1. Last evaluated: 2025-01-31. Review status: criteria provided, single submitter. Criteria: Invitae Variant Classification Sherloc (09022015). Collection method: clinical testing. Allele origin: germline.
Comment: This sequence change replaces valine, which is neutral and non-polar, with glutamic acid, which is acidic and polar, at codon 95 of the RYR2 protein (p.Val95Glu). This variant is not present in population databases (gnomAD no frequency). This variant has not been reported in the literature in individuals affected with RYR2-related conditions. ClinVar contains an entry for this variant (Variation ID: 629284). Invitae Evidence Modeling of protein sequence and biophysical properties (such as structural, functional, and spatial information, amino acid conservation, physicochemical variation, residue mobility, and thermodynamic stability) indicates that this missense variant is not expected to disrupt RYR2 protein function with a negative predictive value of 95%. In summary, the available evidence is currently insufficient to determine the role of this variant in disease. Therefore, it has been classified as a Variant of Uncertain Significance.

Ambry Genetics
Classification: Uncertain significance for Cardiovascular phenotype. Last evaluated: 2024-12-06. Review status: criteria provided, single submitter. Criteria: Ambry Variant Classification Scheme 2023. Collection method: clinical testing. Allele origin: germline.
Comment: The p.V95E variant (also known as c.284T>A), located in coding exon 4 of the RYR2 gene, results from a T to A substitution at nucleotide position 284. The valine at codon 95 is replaced by glutamic acid, an amino acid with dissimilar properties. This amino acid position is well conserved in available vertebrate species. In addition, the in silico prediction for this alteration is inconclusive. Based on the available evidence, the clinical significance of this variant remains unclear.

Color Diagnostics, LLC DBA Color Health
Classification: Uncertain significance for Cardiomyopathy. Last evaluated: 2024-03-06. Review status: criteria provided, single submitter. Criteria: ACMG Guidelines, 2015. Collection method: clinical testing. Allele origin: germline.
Comment: This missense variant replaces valine with glutamic acid at codon 95 of the RYR2 protein. Computational prediction is inconclusive regarding the impact of this variant on protein structure and function (internally defined REVEL score threshold 0.5 < inconclusive < 0.7, PMID: 27666373). Splice site prediction tools suggest that this variant may not impact RNA splicing. To our knowledge, functional studies have not been reported for this variant. This variant has not been reported in individuals affected with cardiovascular disorders in the literature. This variant has not been identified in the general population by the Genome Aggregation Database (gnomAD). The available evidence is insufficient to determine the role of this variant in disease conclusively. Therefore, this variant is classified as a Variant of Uncertain Significance.

All of Us Research Program, National Institutes of Health
Classification: Uncertain significance for Catecholaminergic polymorphic ventricular tachycardia. Last evaluated: 2023-12-01. Review status: criteria provided, single submitter. Criteria: ACMG Guidelines, 2015. Collection method: clinical testing. Allele origin: germline. Inheritance: Autosomal dominant inheritance. Observed: 3 variant alleles, 3 heterozygotes.
Comment: This missense variant replaces valine with glutamic acid at codon 95 of the RYR2 protein. Computational prediction is inconclusive regarding the impact of this variant on protein structure and function (internally defined REVEL score threshold 0.5 < inconclusive < 0.7, PMID: 27666373). Splice site prediction tools suggest that this variant may not impact RNA splicing. To our knowledge, functional studies have not been reported for this variant. This variant has not been reported in individuals affected with cardiovascular disorders in the literature. This variant has not been identified in the general population by the Genome Aggregation Database (gnomAD). The available evidence is insufficient to determine the role of this variant in disease conclusively. Therefore, this variant is classified as a Variant of Uncertain Significance.

This study involves interpretation of variants in research participants for the purpose of population health screening. Participant phenotype was not available at the time of variant classification. Additional details can be found in publication PMID: 35346344, PMCID: PMC8962531